The following is an entry in ClinVar:

ClinVar aggregate classification (germline): Uncertain significance (1 of 4 stars; one submission).

Submission:

GeneDx
Classification: Uncertain significance. Last evaluated: 2025-04-02. Review status: criteria provided, single submitter. Criteria: GeneDx Variant Classification Process June 2021. Collection method: clinical testing. Allele origin: germline. Affected: yes.
Comment: Not observed at significant frequency in large population cohorts (gnomAD); In silico analysis indicates that this missense variant does not alter protein structure/function; Has not been previously published as pathogenic or benign to our knowledge

NM_001270.4(CHD1):c.3557G>C (p.Gly1186Ala)

Gene: CHD1 (chromodomain helicase DNA binding protein 1; minus strand). Cytogenetic location: 5q15.
Variant type: single nucleotide variant.
Coding change: c.3557G>C on transcript NM_001270.4 (MANE Select); coding-DNA position 3557, G replaced by C.
Protein change: p.Gly1186Ala; replaces glycine 1186 with alanine.
Molecular consequence: missense variant. On other transcripts: non-coding transcript variant (2).
Genome position (GRCh38, 1-based): chr5:98,873,607, C>G on the plus strand (G>C on the coding strand, the complement: CHD1 is on the minus strand). VCF-style: chr5-98873607-C-G. GRCh37 (hg19) VCF-style: chr5-98209311-C-G.
Other names: c.3557G>C, p.Gly1186Ala (NM_001364113.3, NM_001376194.2); short protein forms G1186A.
Identifiers: ClinVar variation 4278832 (VCV004278832.1).
Genomic context (GRCh38, chr5:98,873,607, plus strand): 5'-AGCTTTCATTTACTTCTCTTTTAAATCACTCTCAGTTTAATGTTACCTGTTCGTTCTGTT[C>G]CTGAAGAACTATCCTTTAATGCTTTAATGCAACCATTATGTACCAATTCTCCCAGTCGTC-3'
Protein context (NP_001261.2, residues 1176-1196): CIKALKDSSS[Gly1186Ala]TERTGGRLGK